The following is an entry in ClinVar:

NM_001458.5(FLNC):c.7090C>A (p.Arg2364Ser)

Genes: FLNC-AS1 (FLNC antisense RNA 1; minus strand), FLNC (filamin C; plus strand). Cytogenetic location: 7q32.1.
Variant type: single nucleotide variant.
Coding change: c.7090C>A on transcript NM_001458.5 (MANE Select); coding-DNA position 7090, C replaced by A.
Protein change: p.Arg2364Ser; replaces arginine 2364 with serine.
Molecular consequence: missense variant.
Genome position (GRCh38, 1-based): chr7:128,854,867, C>A. VCF-style: chr7-128854867-C-A. GRCh37 (hg19) VCF-style: chr7-128494921-C-A.
Other names: c.6991C>A, p.Arg2331Ser (NM_001127487.2); short protein forms R2364S, R2331S.
Identifiers: ClinVar variation 642957 (VCV000642957.1), dbSNP rs374973240, ClinGen allele CA369215245.

ClinVar aggregate classification (germline): Uncertain significance (1 of 4 stars; one submission).

Conditions:
Distal myopathy with posterior leg and anterior hand involvement. Also called: WILLIAMS DISTAL MYOPATHY. Identifiers: Orphanet 63273, MedGen C3279722, MONDO:0013550, OMIM 614065.
Myofibrillar myopathy 5. Also called: FILAMINOPATHY, AUTOSOMAL DOMINANT; Filaminopathy (type). Identifiers: Orphanet 171445, MedGen C1836050, MONDO:0012289, OMIM 609524.
Dilated Cardiomyopathy, Dominant.
Hypertrophic cardiomyopathy 26. Also called: Cardiomyopathy, familial hypertrophic, 26. Identifiers: Orphanet 75249, MedGen C4310749, MONDO:0014883, OMIM 617047.

Submission:

Labcorp Genetics (formerly Invitae), Labcorp
Classification: Uncertain significance for Myopathy, distal, 4; Dilated Cardiomyopathy, Dominant; Myofibrillar myopathy, filamin C-related; Cardiomyopathy, familial hypertrophic, 26. Last evaluated: 2018-09-17. Review status: criteria provided, single submitter. Criteria: Invitae Variant Classification Sherloc (09022015). Collection method: clinical testing. Allele origin: germline.
Comment: This sequence change replaces arginine with serine at codon 2364 of the FLNC protein (p.Arg2364Ser). The arginine residue is highly conserved and there is a moderate physicochemical difference between arginine and serine. This variant is not present in population databases (ExAC no frequency). This variant has not been reported in the literature in individuals with FLNC-related disease. Algorithms developed to predict the effect of missense changes on protein structure and function are either unavailable or do not agree on the potential impact of this missense change (SIFT: "Deleterious"; PolyPhen-2: "Probably Damaging"; Align-GVGD: "Class C0"). In summary, the available evidence is currently insufficient to determine the role of this variant in disease. Therefore, it has been classified as a Variant of Uncertain Significance.